The following is an entry in ClinVar:

NM_014806.5(RUSC2):c.865A>C (p.Asn289His)

Gene: RUSC2 (RUN and SH3 domain containing 2; plus strand). Cytogenetic location: 9p13.3.
Variant type: single nucleotide variant.
Coding change: c.865A>C on transcript NM_014806.5 (MANE Select); coding-DNA position 865, A replaced by C.
Protein change: p.Asn289His; replaces asparagine 289 with histidine.
Molecular consequence: missense variant. On other transcripts: non-coding transcript variant (1), intron variant (1).
Genome position (GRCh38, 1-based): chr9:35,547,386, A>C. VCF-style: chr9-35547386-A-C. GRCh37 (hg19) VCF-style: chr9-35547383-A-C.
Other names: c.865A>C, p.Asn289His (NM_001135999.2); c.-620-7674A>C (NM_001330740.2); short protein forms N289H.
Identifiers: ClinVar variation 1419982 (VCV001419982.6), dbSNP rs200301661, ClinGen allele CA192743740.
Genomic context (GRCh38, chr9:35,547,386, plus strand): 5'-GTGAGCGACTCCTCCTGCAACAGTTCAGATGGTGTGCTGGTCACCTTCAGCACCCTCTAC[A>C]ACAAGATGCATGGCACCCCCCGTGCCAATCTCAACTCTGCCCCACAGTCCTGCAGCGACT-3'
Protein context (NP_055621.2, residues 279-299): GVLVTFSTLY[Asn289His]KMHGTPRANL

ClinVar aggregate classification (germline): Uncertain significance (1 of 4 stars; one submission).

Allele frequency attached by ClinVar (database versions not stated): TOPMed 0.00002; gnomAD 0.00003; gnomAD exomes 0.00004 and 0.00001; 1000 Genomes Project 0.00020; 1000 Genomes Project 30x 0.00031.
gnomAD v4.1: 60 of 1,614,104 alleles (0.0037%); highest among the groups gnomAD compares: Non-Finnish European, 0.0049%; no homozygotes.

Submission:

Labcorp Genetics (formerly Invitae), Labcorp
Classification: Uncertain significance. Last evaluated: 2022-06-27. Review status: criteria provided, single submitter. Criteria: Invitae Variant Classification Sherloc (09022015). Collection method: clinical testing. Allele origin: germline.
Comment: In summary, the available evidence is currently insufficient to determine the role of this variant in disease. Therefore, it has been classified as a Variant of Uncertain Significance. Algorithms developed to predict the effect of missense changes on protein structure and function are either unavailable or do not agree on the potential impact of this missense change (SIFT: "Deleterious"; PolyPhen-2: "Possibly Damaging"; Align-GVGD: "Class C15"). This variant has not been reported in the literature in individuals affected with RUSC2-related conditions. This variant is present in population databases (rs200301661, gnomAD 0.0009%). This sequence change replaces asparagine, which is neutral and polar, with histidine, which is basic and polar, at codon 289 of the RUSC2 protein (p.Asn289His).